The following is an entry in ClinVar:

ClinVar aggregate classification (germline): Uncertain significance. Review status: criteria provided, multiple submitters, no conflicts (2 of 4 stars). 2 submissions from 2 submitters: Uncertain significance (2). Last evaluated 2026-01-28.

Conditions:
Hereditary cancer-predisposing syndrome. Also called: Tumor predisposition; Hereditary Cancer Syndrome; Hereditary neoplastic syndrome; Neoplastic Syndromes, Hereditary. Identifiers: Orphanet 140162, MedGen C0027672, MeSH D009386, MONDO:0015356.
Neuroblastoma, susceptibility to, 3. Also called: ALK-Related Neuroblastic Tumor Susceptibility. Identifiers: Orphanet 635, MedGen C2751681, MONDO:0013083, OMIM 613014.

Submissions (2):

Ambry Genetics
Classification: Uncertain significance for Hereditary cancer-predisposing syndrome. Last evaluated: 2026-01-28. Review status: criteria provided, single submitter. Criteria: Ambry Variant Classification Scheme 2023. Collection method: clinical testing. Allele origin: germline.
Comment: The c.1913-2A>C intronic variant results from an A to C substitution two nucleotides before coding exon 11 in the ALK gene. This nucleotide position is highly conserved in available vertebrate species. In silico splice site analysis predicts that this alteration will weaken the native splice acceptor site and will result in the creation or strengthening of a novel splice acceptor site. Variants that disrupt the canonical splice site are expected to cause aberrant splicing, resulting in an abnormal protein or a transcript that is subject to nonsense-mediated mRNA decay. However, loss of function has not been established as a mechanism of disease. Based on the available evidence, the clinical significance of this variant remains unclear.

Labcorp Genetics (formerly Invitae), Labcorp
Classification: Uncertain significance for Neuroblastoma, susceptibility to, 3. Last evaluated: 2023-08-08. Review status: criteria provided, single submitter. Criteria: Invitae Variant Classification Sherloc (09022015). Collection method: clinical testing. Allele origin: germline.
Comment: Algorithms developed to predict the effect of sequence changes on RNA splicing suggest that this variant may disrupt the consensus splice site. This sequence change affects an acceptor splice site in intron 10 of the ALK gene. It is expected to disrupt RNA splicing. Variants that disrupt the donor or acceptor splice site typically lead to a loss of protein function (PMID: 16199547), however the current clinical and genetic evidence is not sufficient to establish whether loss-of-function variants in ALK cause disease. This variant is not present in population databases (gnomAD no frequency). This variant has not been reported in the literature in individuals affected with ALK-related conditions. In summary, the available evidence is currently insufficient to determine the role of this variant in disease. Therefore, it has been classified as a Variant of Uncertain Significance.

Literature cited by the submitters: PubMed 16199547 (cited by Labcorp Genetics (formerly Invitae), Labcorp).

NM_004304.5(ALK):c.1913-2A>C

Gene: ALK (ALK receptor tyrosine kinase; minus strand). Cytogenetic location: 2p23.2.
Variant type: single nucleotide variant.
Coding change: c.1913-2A>C on transcript NM_004304.5 (MANE Select); the canonical splice acceptor site of the intron before coding-DNA position 1913, A replaced by C.
Molecular consequence: splice acceptor variant.
Genome position (GRCh38, 1-based): chr2:29,275,229, T>G on the plus strand (A>C on the coding strand, the complement: ALK is on the minus strand). VCF-style: chr2-29275229-T-G. GRCh37 (hg19) VCF-style: chr2-29498095-T-G.
Other names: c.1913-2A>C (NM_004304.4).
Identifiers: ClinVar variation 2751208 (VCV002751208.4), dbSNP rs2465331585, ClinGen allele CA346479842.